The following is an entry in ClinVar:

ClinVar aggregate classification (germline): Likely benign (1 of 4 stars; one submission).

Allele frequency attached by ClinVar (database versions not stated): ExAC 0.00002; gnomAD 0.00166.

Submission:

CeGaT Center for Human Genetics Tuebingen
Classification: Likely benign. Last evaluated: 2023-08-01. Review status: criteria provided, single submitter. Criteria: CeGaT Center For Human Genetics Tuebingen Variant Classification Criteria Version 2. Collection method: clinical testing. Allele origin: germline. Affected: yes. Observed: 1 variant allele.
Comment: MUC21: BP4, BS2

NM_001010909.5(MUC21):c.982A>G (p.Ser328Gly)

Genes: MUC21 (mucin 21, cell surface associated; plus strand), LOC126859647 (CDK7 strongly-dependent group 2 enhancer GRCh37_chr6:30954612-30955811; plus strand). Cytogenetic location: 6p21.33.
Variant type: single nucleotide variant.
Coding change: c.982A>G on transcript NM_001010909.5 (MANE Select); coding-DNA position 982, A replaced by G.
Protein change: p.Ser328Gly; replaces serine 328 with glycine.
Molecular consequence: missense variant. On other transcripts: no sequence alteration (1), non-coding transcript variant (1).
Genome position (GRCh38, 1-based): chr6:30,987,157, A>G. VCF-style: chr6-30987157-A-G. GRCh37 (hg19) VCF-style: chr6-30954934-A-G.
Other names: c.1072A>G, p.Asn358Asp (NM_001322370.2); c.1072=, p.Gly358= (NM_001322371.2); short protein forms N358D, S328G.
Identifiers: ClinVar variation 2656366 (VCV002656366.24), dbSNP rs55788118, ClinGen allele CA3707372.
Genomic context (GRCh38, chr6:30,987,157, plus strand): 5'-ACCTCCAGTGGGGCCAACACAGCCACCAACTCTGACTCCAGCACAACCTCCAGTGGGGCC[A>G]GCACAGCCACCAACTCTGAGTCCAGCACGACCTCCAGTGGGGCCAGCACAGCCACCAACT-3'
Protein context (NP_001010909.2, residues 318-338): SDSSTTSSGA[Ser328Gly]TATNSESSTT